The following is an entry in ClinVar:

ClinVar aggregate classification (germline): Uncertain significance (1 of 4 stars; one submission).

Conditions:
Hypertrophic cardiomyopathy 26. Also called: Cardiomyopathy, familial hypertrophic, 26. Identifiers: Orphanet 75249, MedGen C4310749, MONDO:0014883, OMIM 617047.
Myofibrillar myopathy 5. Also called: Filaminopathy (type); FILAMINOPATHY, AUTOSOMAL DOMINANT. Identifiers: Orphanet 171445, MedGen C1836050, MONDO:0012289, OMIM 609524.
Distal myopathy with posterior leg and anterior hand involvement. Also called: WILLIAMS DISTAL MYOPATHY. Identifiers: Orphanet 63273, MedGen C3279722, MONDO:0013550, OMIM 614065.

gnomAD v4.1: 4 of 1,614,222 alleles (0.00025%); highest among the groups gnomAD compares: Non-Finnish European, 0.00034%; no homozygotes.

Submission:

Labcorp Genetics (formerly Invitae), Labcorp
Classification: Uncertain significance for Distal myopathy with posterior leg and anterior hand involvement; Myofibrillar myopathy 5; Hypertrophic cardiomyopathy 26. Last evaluated: 2025-08-17. Review status: criteria provided, single submitter. Criteria: Invitae Variant Classification Sherloc (09022015). Collection method: clinical testing. Allele origin: germline.
Comment: This sequence change replaces threonine, which is neutral and polar, with isoleucine, which is neutral and non-polar, at codon 1707 of the FLNC protein (p.Thr1707Ile). This variant is not present in population databases (gnomAD no frequency). This variant has not been reported in the literature in individuals affected with FLNC-related conditions. Invitae Evidence Modeling of protein sequence and biophysical properties (such as structural, functional, and spatial information, amino acid conservation, physicochemical variation, residue mobility, and thermodynamic stability) has been performed for this missense variant. However, the output from this modeling did not meet the statistical confidence thresholds required to predict the impact of this variant on FLNC protein function. In summary, the available evidence is currently insufficient to determine the role of this variant in disease. Therefore, it has been classified as a Variant of Uncertain Significance.

NM_001458.5(FLNC):c.5120C>T (p.Thr1707Ile)

Gene: FLNC (filamin C; plus strand). Cytogenetic location: 7q32.1.
Variant type: single nucleotide variant.
Coding change: c.5120C>T on transcript NM_001458.5 (MANE Select); coding-DNA position 5120, C replaced by T.
Protein change: p.Thr1707Ile; replaces threonine 1707 with isoleucine.
Molecular consequence: missense variant.
Genome position (GRCh38, 1-based): chr7:128,849,499, C>T. VCF-style: chr7-128849499-C-T. GRCh37 (hg19) VCF-style: chr7-128489553-C-T.
Other names: c.5120C>T, p.Thr1707Ile (NM_001127487.2); short protein forms T1707I.
Identifiers: ClinVar variation 4812783 (VCV004812783.1).